The following is an entry in ClinVar:

ClinVar aggregate classification (germline): Uncertain significance (1 of 4 stars; one submission).

Allele frequency attached by ClinVar (database versions not stated): ExAC 0.00001.

Submission:

Ambry Genetics
Classification: Uncertain significance. Last evaluated: 2022-02-05. Review status: criteria provided, single submitter. Criteria: Ambry Variant Classification Scheme 2023. Collection method: clinical testing. Allele origin: germline.
Comment: The p.C818R variant (also known as c.2452T>C), located in coding exon 1 of the MLH3 gene, results from a T to C substitution at nucleotide position 2452. The cysteine at codon 818 is replaced by arginine, an amino acid with highly dissimilar properties. This amino acid position is conserved. In addition, this alteration is predicted to be tolerated by in silico analysis. Since supporting evidence is limited at this time, the clinical significance of this alteration remains unclear.

NM_001040108.2(MLH3):c.2452T>C (p.Cys818Arg)

Gene: MLH3 (mutL homolog 3; minus strand). Cytogenetic location: 14q24.3.
Variant type: single nucleotide variant.
Coding change: c.2452T>C on transcript NM_001040108.2 (MANE Select); coding-DNA position 2452, T replaced by C.
Protein change: p.Cys818Arg; replaces cysteine 818 with arginine.
Molecular consequence: missense variant.
Genome position (GRCh38, 1-based): chr14:75,047,204, A>G on the plus strand (T>C on the coding strand, the complement: MLH3 is on the minus strand). VCF-style: chr14-75047204-A-G. GRCh37 (hg19) VCF-style: chr14-75513907-A-G.
Other names: c.2452T>C, p.Cys818Arg (NM_014381.3); short protein forms C818R.
Identifiers: ClinVar variation 1791514 (VCV001791514.2), dbSNP rs781394308, ClinGen allele CA7275703.
Genomic context (GRCh38, chr14:75,047,204, plus strand): 5'-AATCTTCATCCTTGGAGAATGGAAACTTCTCTGAGTTAAGGATGTGGCTTGCTGGTTGAC[A>G]ACTACTATCTGAATCACTATGCTCCATAGTAGTGATTTTACAAACATCAGAGTTCTCTAA-3'
Protein context (NP_001035197.1, residues 808-828): TMEHSDSDSS[Cys818Arg]QPASHILNSE